The following is an entry in ClinVar:

ClinVar aggregate classification (germline): Uncertain significance. Review status: criteria provided, multiple submitters, no conflicts (2 of 4 stars). 2 submissions from 2 submitters: Uncertain significance (2). Last evaluated 2025-05-14.

Conditions:
Inborn genetic diseases. Identifiers: MedGen C0950123, MeSH D030342.
Deafness-lymphedema-leukemia syndrome. Also called: Lymphedema, primary, with myelodysplasia; Emberger syndrome. Identifiers: Orphanet 3226, MedGen C3279664, MONDO:0013540, OMIM 614038.
Monocytopenia with susceptibility to infections. Also called: Dendritic cell, monocyte, B lymphocyte, and natural killer lymphocyte deficiency; MONOCYTOPENIA AND MYCOBACTERIAL INFECTION SYNDROME; MONOCYTOPENIA WITH SUSCEPTIBILITY TO MYCOBACTERIAL, FUNGAL, AND PAPILLOMAVIRUS INFECTIONS AND MYELODYSPLASIA; COMBINED IMMUNODEFICIENCY WITH SUSCEPTIBILITY TO MYCOBACTERIAL, VIRAL, AND FUNGAL INFECTIONS; IMMUNODEFICIENCY 21; GATA2 DEFICIENCY. Identifiers: Orphanet 228423, MedGen C3280030, MONDO:0013607, OMIM 614172.

Submissions (2):

Ambry Genetics
Classification: Uncertain significance for Inborn genetic diseases. Last evaluated: 2025-05-14. Review status: criteria provided, single submitter. Criteria: Ambry Variant Classification Scheme 2023. Collection method: clinical testing. Allele origin: germline.
Comment: The p.F49L variant (also known as c.147C>A), located in coding exon 1 of the GATA2 gene, results from a C to A substitution at nucleotide position 147. The phenylalanine at codon 49 is replaced by leucine, an amino acid with highly similar properties. This amino acid position is well conserved in available vertebrate species. In addition, the in silico prediction for this alteration is inconclusive. Based on the available evidence, the clinical significance of this variant remains unclear.

Labcorp Genetics (formerly Invitae), Labcorp
Classification: Uncertain significance for Monocytopenia with susceptibility to infections; Deafness-lymphedema-leukemia syndrome. Last evaluated: 2024-08-10. Review status: criteria provided, single submitter. Criteria: Invitae Variant Classification Sherloc (09022015). Collection method: clinical testing. Allele origin: germline.
Comment: This sequence change replaces phenylalanine, which is neutral and non-polar, with leucine, which is neutral and non-polar, at codon 49 of the GATA2 protein (p.Phe49Leu). This variant is not present in population databases (gnomAD no frequency). This variant has not been reported in the literature in individuals affected with GATA2-related conditions. ClinVar contains an entry for this variant (Variation ID: 854456). Advanced modeling of protein sequence and biophysical properties (such as structural, functional, and spatial information, amino acid conservation, physicochemical variation, residue mobility, and thermodynamic stability) performed at Invitae indicates that this missense variant is not expected to disrupt GATA2 protein function with a negative predictive value of 95%. In summary, the available evidence is currently insufficient to determine the role of this variant in disease. Therefore, it has been classified as a Variant of Uncertain Significance.

NM_032638.5(GATA2):c.147C>A (p.Phe49Leu)

Gene: GATA2 (GATA binding protein 2; minus strand). Cytogenetic location: 3q21.3.
Variant type: single nucleotide variant.
Coding change: c.147C>A on transcript NM_032638.5 (MANE Select); coding-DNA position 147, C replaced by A.
Protein change: p.Phe49Leu; replaces phenylalanine 49 with leucine.
Molecular consequence: missense variant.
Genome position (GRCh38, 1-based): chr3:128,486,885, G>T on the plus strand (C>A on the coding strand, the complement: GATA2 is on the minus strand). VCF-style: chr3-128486885-G-T. GRCh37 (hg19) VCF-style: chr3-128205728-G-T.
Other names: c.147C>A, p.Phe49Leu (NM_001145661.2, NM_001145662.1); short protein forms F49L.
Identifiers: ClinVar variation 854456 (VCV000854456.10), dbSNP rs1474218678, ClinGen allele CA354408648.